The following is an entry in ClinVar:

NM_203447.4(DOCK8):c.787C>G (p.His263Asp)

Gene: DOCK8 (dedicator of cytokinesis 8; plus strand). Cytogenetic location: 9p24.3.
Variant type: single nucleotide variant.
Coding change: c.787C>G on transcript NM_203447.4 (MANE Select); coding-DNA position 787, C replaced by G.
Protein change: p.His263Asp; replaces histidine 263 with aspartic acid.
Molecular consequence: missense variant.
Genome position (GRCh38, 1-based): chr9:317,088, C>G. VCF-style: chr9-317088-C-G. GRCh37 (hg19) VCF-style: chr9-317088-C-G.
Other names: c.583C>G, p.His195Asp (NM_001190458.2, NM_001193536.2); short protein forms H263D, H195D.
Identifiers: ClinVar variation 4743782 (VCV004743782.1).

ClinVar aggregate classification (germline): Uncertain significance (1 of 4 stars; one submission).

Conditions:
Combined immunodeficiency due to DOCK8 deficiency (HIES2). Also called: HYPER-IgE SYNDROME 2, AUTOSOMAL RECESSIVE, WITH RECURRENT INFECTIONS; DOCK8 Deficiency; HIES autosomal recessive; Hyper-IgE recurrent infection syndrome, autosomal recessive; HYPER-IgE RECURRENT INFECTION SYNDROME 2, AUTOSOMAL RECESSIVE. Identifiers: Orphanet 217390, MedGen C4722305, MONDO:0009478, OMIM 243700.

Submission:

Labcorp Genetics (formerly Invitae), Labcorp
Classification: Uncertain significance for Combined immunodeficiency due to DOCK8 deficiency. Last evaluated: 2025-12-20. Review status: criteria provided, single submitter. Criteria: Invitae Variant Classification Sherloc (09022015). Collection method: clinical testing. Allele origin: germline.
Comment: This sequence change replaces histidine, which is basic and polar, with aspartic acid, which is acidic and polar, at codon 263 of the DOCK8 protein (p.His263Asp). This variant is not present in population databases (gnomAD no frequency). This variant has not been reported in the literature in individuals affected with DOCK8-related conditions. Invitae Evidence Modeling of protein sequence and biophysical properties (such as structural, functional, and spatial information, amino acid conservation, physicochemical variation, residue mobility, and thermodynamic stability) has been performed for this missense variant. However, the output from this modeling did not meet the statistical confidence thresholds required to predict the impact of this variant on DOCK8 protein function. In summary, the available evidence is currently insufficient to determine the role of this variant in disease. Therefore, it has been classified as a Variant of Uncertain Significance.